The following is an entry in ClinVar:

ClinVar aggregate classification (germline): Likely benign (1 of 4 stars; one submission).

Conditions:
LHX3-related disorder. Also called: LHX3-related condition.

gnomAD v4.1: 52 of 1,601,046 alleles (0.0032%); highest among the groups gnomAD compares: Non-Finnish European, 0.0043%; no homozygotes.

Submission:

PreventionGenetics, part of Exact Sciences
Classification: Likely benign for LHX3-related condition. Last evaluated: 2025-08-18. Review status: criteria provided, single submitter. Criteria: ACMG Guidelines, 2015. Collection method: clinical testing. Allele origin: germline.
Comment: This variant is classified as likely benign based on ACMG/AMP sequence variant interpretation guidelines (Richards et al. 2015 PMID: 25741868, with internal and published modifications).

NM_178138.6(LHX3):c.69C>T (p.Gly23=)

Gene: LHX3 (LIM homeobox 3; minus strand). Cytogenetic location: 9q34.3.
Variant type: single nucleotide variant.
Coding change: c.69C>T on transcript NM_178138.6 (MANE Select); coding-DNA position 69, C replaced by T.
Protein change: p.Gly23=; no amino-acid change (glycine 23 retained).
Molecular consequence: synonymous variant.
Genome position (GRCh38, 1-based): chr9:136,204,944, G>A on the plus strand (C>T on the coding strand, the complement: LHX3 is on the minus strand). VCF-style: chr9-136204944-G-A. GRCh37 (hg19) VCF-style: chr9-139096790-G-A.
Identifiers: ClinVar variation 4987187 (VCV004987187.1).
Genomic context (GRCh38, chr9:136,204,944, plus strand): 5'-GCCTCTGCCGCCCTTGCCGTTTCTGTCCTCAGTGTCCTGCTGGGGCTTACCCCGAGTCCC[G>A]CCCAAGGTGCAGACGGCGGCGGCCCCGGGCCTCGCTCGGTCGCGCTCGAGCCCCGTTTCC-3'
Protein context (NP_835258.1, residues 13-33): RPGAAAVCTL[Gly23=]GTREIPLCAG